The following is an entry in ClinVar:

NM_001846.4(COL4A2):c.3563-4G>C

Gene: COL4A2 (collagen type IV alpha 2 chain; plus strand). Cytogenetic location: 13q34.
Variant type: single nucleotide variant.
Coding change: c.3563-4G>C on transcript NM_001846.4 (MANE Select); 4 bases into the intron before coding-DNA position 3563, G replaced by C.
Molecular consequence: intron variant.
Genome position (GRCh38, 1-based): chr13:110,493,207, G>C. VCF-style: chr13-110493207-G-C. GRCh37 (hg19) VCF-style: chr13-111145554-G-C.
Identifiers: ClinVar variation 1328216 (VCV001328216.4), dbSNP rs562701263, ClinGen allele CA7050253.

ClinVar aggregate classification (germline): Uncertain significance. Review status: criteria provided, single submitter (1 of 4 stars). 3 submissions from 3 submitters: Uncertain significance (1). 2 of the submissions do not count toward it. Last evaluated 2023-05-21.

Allele frequency attached by ClinVar (database versions not stated): ExAC 0.00001.
gnomAD v4.1: 206 of 1,613,984 alleles (0.013%); highest among the groups gnomAD compares: Non-Finnish European, 0.016%; no homozygotes.

Submissions (3):

Labcorp Genetics (formerly Invitae), Labcorp
Classification: Uncertain significance. Last evaluated: 2023-05-21. Review status: criteria provided, single submitter. Criteria: Invitae Variant Classification Sherloc (09022015). Collection method: clinical testing. Allele origin: germline.
Comment: This variant is present in population databases (rs562701263, gnomAD 0.01%). This variant has not been reported in the literature in individuals affected with COL4A2-related conditions. ClinVar contains an entry for this variant (Variation ID: 1328216). This sequence change falls in intron 38 of the COL4A2 gene. It does not directly change the encoded amino acid sequence of the COL4A2 protein. Algorithms developed to predict the effect of sequence changes on RNA splicing suggest that this variant may disrupt the consensus splice site. In summary, the available evidence is currently insufficient to determine the role of this variant in disease. Therefore, it has been classified as a Variant of Uncertain Significance.

Diagnostic Laboratory, Department of Genetics, University Medical Center Groningen
Classification: Likely benign. Review status: no assertion criteria provided. Collection method: clinical testing. Allele origin: germline. Affected: yes. Study: VKGL Data-share Consensus. Not counted in ClinVar's aggregate classification.

Laboratory of Diagnostic Genome Analysis, Leiden University Medical Center (LUMC)
Classification: Likely benign. Review status: no assertion criteria provided. Collection method: clinical testing. Allele origin: germline. Affected: yes. Study: VKGL Data-share Consensus. Not counted in ClinVar's aggregate classification.